The following is an entry in ClinVar:

NM_000018.4(ACADVL):c.952C>T (p.Pro318Ser)

Gene: ACADVL (acyl-CoA dehydrogenase very long chain; plus strand). Cytogenetic location: 17p13.1.
Variant type: single nucleotide variant.
Coding change: c.952C>T on transcript NM_000018.4 (MANE Select); coding-DNA position 952, C replaced by T.
Protein change: p.Pro318Ser; replaces proline 318 with serine.
Molecular consequence: missense variant.
Genome position (GRCh38, 1-based): chr17:7,222,740, C>T. VCF-style: chr17-7222740-C-T. GRCh37 (hg19) VCF-style: chr17-7126059-C-T.
Other names: c.886C>T, p.Pro296Ser (NM_001033859.3); c.1021C>T, p.Pro341Ser (NM_001270447.2); c.724C>T, p.Pro242Ser (NM_001270448.2); short protein forms P242S, P296S, P318S, P341S.
Identifiers: ClinVar variation 1065899 (VCV001065899.9), dbSNP rs762653370, ClinGen allele CA8337910.

ClinVar aggregate classification (germline): Conflicting classifications of pathogenicity. Review status: criteria provided, conflicting classifications (1 of 4 stars). 3 submissions from 3 submitters: Likely pathogenic (1); Uncertain significance (2). Last evaluated 2026-02-13.

Conditions:
Very long chain acyl-CoA dehydrogenase deficiency (ACADVLD). Also called: Very Long-Chain Acyl-Coenzyme A Dehydrogenase Deficiency; VLCAD Deficiency. Identifiers: Orphanet 26793, MedGen C3887523, MONDO:0008723, OMIM 201475.

Allele frequency attached by ClinVar (database versions not stated): gnomAD exomes below 0.00001 and 0.00001; ExAC 0.00001; gnomAD 0.00001.
gnomAD v4.1: 13 of 1,613,978 alleles (0.00081%); highest among the groups gnomAD compares: Non-Finnish European, 0.0011%; no homozygotes.

Submissions (3):

Myriad Genetics, Inc.
Classification: Uncertain significance for Very long chain acyl-CoA dehydrogenase deficiency. Last evaluated: 2026-02-13. Review status: criteria provided, single submitter. Criteria: Myriad Autosomal Dominant, Autosomal Recessive and X-Linked Classification Criteria (2023). Collection method: clinical testing. Allele origin: unknown.
Comment: NM_000018.3(ACADVL):c.952C>T(P318S) is a missense variant classified as a variant of uncertain significance in the context of very-long-chain acyl-CoA dehydrogenase deficiency. P318S has not been observed in cases with relevant disease. Relevant functional assessments of this variant are not available in the literature. P318S has been observed in referenced population frequency databases. In summary, there is insufficient evidence to classify NM_000018.3(ACADVL):c.952C>T(P318S) as pathogenic or benign. Please note: this variant was assessed in the context of healthy population screening.

Women's Health and Genetics/Laboratory Corporation of America, LabCorp
Classification: Uncertain significance. Last evaluated: 2024-08-12. Review status: criteria provided, single submitter. Criteria: LabCorp Variant Classification Summary - May 2015. Collection method: clinical testing. Allele origin: germline.
Comment: Variant summary: ACADVL c.952C>T (p.Pro318Ser) results in a non-conservative amino acid change in the encoded protein sequence. Five of five in-silico tools predict a damaging effect of the variant on protein function. The variant allele was found at a frequency of 4e-06 in 251268 control chromosomes. The available data on variant occurrences in the general population are insufficient to allow any conclusion about variant significance. To our knowledge, no occurrence of c.952C>T in individuals affected with Very Long Chain Acyl-CoA Dehydrogenase Deficiency and no experimental evidence demonstrating its impact on protein function have been reported. ClinVar contains an entry for this variant (Variation ID: 1065899). Based on the evidence outlined above, the variant was classified as uncertain significance.

Labcorp Genetics (formerly Invitae), Labcorp
Classification: Likely pathogenic for Very long chain acyl-CoA dehydrogenase deficiency. Last evaluated: 2023-12-24. Review status: criteria provided, single submitter. Criteria: Invitae Variant Classification Sherloc (09022015). Collection method: clinical testing. Allele origin: germline.
Comment: This sequence change replaces proline, which is neutral and non-polar, with serine, which is neutral and polar, at codon 318 of the ACADVL protein (p.Pro318Ser). This variant is present in population databases (rs762653370, gnomAD 0.0009%). This variant has not been reported in the literature in individuals affected with ACADVL-related conditions. ClinVar contains an entry for this variant (Variation ID: 1065899). Advanced modeling of protein sequence and biophysical properties (such as structural, functional, and spatial information, amino acid conservation, physicochemical variation, residue mobility, and thermodynamic stability) performed at Invitae indicates that this missense variant is expected to disrupt ACADVL protein function with a positive predictive value of 95%. This variant disrupts the p.Pro318 amino acid residue in ACADVL. Other variant(s) that disrupt this residue have been determined to be pathogenic (PMID: 10529389). This suggests that this residue is clinically significant, and that variants that disrupt this residue are likely to be disease-causing. In summary, the currently available evidence indicates that the variant is pathogenic, but additional data are needed to prove that conclusively. Therefore, this variant has been classified as Likely Pathogenic.

Literature cited by the submitters: PubMed 10529389 (cited by Labcorp Genetics (formerly Invitae), Labcorp).